The following is an entry in ClinVar:

ClinVar aggregate classification (germline): Uncertain significance (1 of 4 stars; one submission).

Allele frequency attached by ClinVar (database versions not stated): ExAC 0.00001; TOPMed 0.00002; gnomAD 0.00003.
gnomAD v4.1: 4 of 1,604,408 alleles (0.00025%); highest among the groups gnomAD compares: African/African-American, 0.004%; no homozygotes.

Submission:

Labcorp Genetics (formerly Invitae), Labcorp
Classification: Uncertain significance. Last evaluated: 2022-02-28. Review status: criteria provided, single submitter. Criteria: Invitae Variant Classification Sherloc (09022015). Collection method: clinical testing. Allele origin: germline.
Comment: This variant is present in population databases (rs776878900, gnomAD 0.008%). In summary, the available evidence is currently insufficient to determine the role of this variant in disease. Therefore, it has been classified as a Variant of Uncertain Significance. Variants that disrupt the consensus splice site are a relatively common cause of aberrant splicing (PMID: 17576681, 9536098). Algorithms developed to predict the effect of sequence changes on RNA splicing suggest that this variant is not likely to affect RNA splicing. This variant has not been reported in the literature in individuals affected with FAT4-related conditions. This sequence change falls in intron 6 of the FAT4 gene. It does not directly change the encoded amino acid sequence of the FAT4 protein. It affects a nucleotide within the consensus splice site.

Literature cited by the submitters: PubMed 17576681; PubMed 9536098.

NM_001291303.3(FAT4):c.7019-3T>G

Gene: FAT4 (FAT atypical cadherin 4; plus strand). Cytogenetic location: 4q28.1.
Variant type: single nucleotide variant.
Coding change: c.7019-3T>G on transcript NM_001291303.3 (MANE Select); 3 bases into the intron before coding-DNA position 7019, T replaced by G.
Molecular consequence: intron variant.
Genome position (GRCh38, 1-based): chr4:125,434,242, T>G. VCF-style: chr4-125434242-T-G. GRCh37 (hg19) VCF-style: chr4-126355397-T-G.
Other names: c.7019-3T>G (NM_001291285.3, NM_024582.6).
Identifiers: ClinVar variation 1976734 (VCV001976734.4), dbSNP rs776878900, ClinGen allele CA3073076.
Genomic context (GRCh38, chr4:125,434,242, plus strand): 5'-TTTTTGTTAAATTTGTTATTTTTTGTTTATAAACATTGAGACTTGATTTTCTTTTCTTTT[T>G]AGGATCCCCTGCCTTGACTGGAACTGGAACAATCAACGTCATAGTAGATGATGTCAATGA-3'